The following is an entry in ClinVar:

ClinVar aggregate classification (germline): Likely benign. Review status: criteria provided, multiple submitters, no conflicts (2 of 4 stars). 2 submissions from 2 submitters: Likely benign (2). Last evaluated 2025-11-01.

Conditions:
Short-rib thoracic dysplasia 11 with or without polydactyly (SRTD11). Also called: SHORT-RIB THORACIC DYSPLASIA 11 WITHOUT POLYDACTYLY. Identifiers: Orphanet 474, Orphanet 93271, MedGen C3810200, MONDO:0014287, OMIM 615633.

Allele frequency attached by ClinVar (database versions not stated): TOPMed 0.00007; ESP Exome Variant Server 0.00008; gnomAD 0.00009; ExAC 0.00022.
gnomAD v4.1: 157 of 1,572,508 alleles (0.01%); highest among the groups gnomAD compares: South Asian, 0.019%; no homozygotes.

Submissions (2):

Labcorp Genetics (formerly Invitae), Labcorp
Classification: Likely benign for Short-rib thoracic dysplasia 11 with or without polydactyly. Last evaluated: 2025-11-01. Review status: criteria provided, single submitter. Criteria: Invitae Variant Classification Sherloc (09022015). Collection method: clinical testing. Allele origin: germline.

Women's Health and Genetics/Laboratory Corporation of America, LabCorp
Classification: Likely benign. Last evaluated: 2025-05-09. Review status: criteria provided, single submitter. Criteria: LabCorp Variant Classification Summary - May 2015. Collection method: clinical testing. Allele origin: germline.
Comment: Variant summary: DYNC2I2 c.1215-6G>A alters a nucleotide located at a position not widely known to affect splicing. Consensus agreement among computation tools predict no significant impact on normal splicing. However, these predictions have yet to be confirmed by functional studies. The variant allele was found at a frequency of 0.0001 in 1420354 control chromosomes. This frequency is not significantly higher than estimated for a pathogenic variant in DYNC2I2 causing Short-Rib Thoracic Dysplasia 11 With Or Without Polydactyly, allowing no conclusion about variant significance. To our knowledge, no occurrence of c.1215-6G>A in individuals affected with Short-Rib Thoracic Dysplasia 11 With Or Without Polydactyly and no experimental evidence demonstrating its impact on protein function have been reported. ClinVar contains an entry for this variant (Variation ID: 2043346). Based on the evidence outlined above, the variant was classified as likely benign.

NM_052844.4(DYNC2I2):c.1215-6G>A

Gene: DYNC2I2 (dynein 2 intermediate chain 2; minus strand). Cytogenetic location: 9q34.11.
Variant type: single nucleotide variant.
Coding change: c.1215-6G>A on transcript NM_052844.4 (MANE Select); 6 bases into the intron before coding-DNA position 1215, G replaced by A.
Molecular consequence: intron variant.
Genome position (GRCh38, 1-based): chr9:128,634,389, C>T on the plus strand (G>A on the coding strand, the complement: DYNC2I2 is on the minus strand). VCF-style: chr9-128634389-C-T. GRCh37 (hg19) VCF-style: chr9-131396668-C-T.
Identifiers: ClinVar variation 2043346 (VCV002043346.5), dbSNP rs374616949, ClinGen allele CA5266291.